The following is an entry in ClinVar:

NM_020877.5(DNAH2):c.5010G>A (p.Ala1670=)

Gene: DNAH2 (dynein axonemal heavy chain 2; plus strand). Cytogenetic location: 17p13.1.
Variant type: single nucleotide variant.
Coding change: c.5010G>A on transcript NM_020877.5 (MANE Select); coding-DNA position 5010, G replaced by A.
Protein change: p.Ala1670=; no amino-acid change (alanine 1670 retained).
Molecular consequence: synonymous variant.
Genome position (GRCh38, 1-based): chr17:7,776,841, G>A. VCF-style: chr17-7776841-G-A. GRCh37 (hg19) VCF-style: chr17-7680159-G-A.
Other names: c.5010G>A (NM_020877.3).
Identifiers: ClinVar variation 402708 (VCV000402708.7), dbSNP rs62059684, ClinGen allele CA8357321.

ClinVar aggregate classification (germline): Benign. Review status: criteria provided, multiple submitters, no conflicts (2 of 4 stars). 3 submissions from 3 submitters: Benign (2). 1 of the submissions does not count toward it. Last evaluated 2016-03-29.

Conditions:
DNAH2-related disorder. Also called: DNAH2-related condition.

Allele frequency attached by ClinVar (database versions not stated): 1000 Genomes Project 30x 0.11868; 1000 Genomes Project 0.12041; TOPMed 0.20876; gnomAD 0.22753 and 0.23251; gnomAD exomes 0.24074 and 0.30289; ExAC 0.24234; ESP Exome Variant Server 0.24835.
gnomAD v4.1: 474,940 of 1,612,050 alleles (29%); highest among the groups gnomAD compares: Non-Finnish European, 34%; 77,694 homozygotes.

Submissions (3):

Laboratory for Molecular Medicine, Mass General Brigham Personalized Medicine
Classification: Benign. Last evaluated: 2016-03-29. Review status: criteria provided, single submitter. Criteria: LMM Criteria. Collection method: clinical testing. Allele origin: germline.
Comment: Variant identified in a genome or exome case(s) and assessed due to predicted null impact of the variant or pathogenic assertions in the literature or databases. Disclaimer: This variant has not undergone full assessment. The following are preliminary notes: Frequency

Breakthrough Genomics
Classification: Benign. Review status: criteria provided, single submitter. Criteria: ACMG Guidelines, 2015. Collection method: not provided. Allele origin: germline. Inheritance: Autosomal recessive inheritance. Affected: yes.

PreventionGenetics, part of Exact Sciences
Classification: Benign for DNAH2-related condition. Last evaluated: 2019-10-17. Review status: no assertion criteria provided. Collection method: clinical testing. Allele origin: germline. Not counted in ClinVar's aggregate classification.
Comment: This variant is classified as benign based on ACMG/AMP sequence variant interpretation guidelines (Richards et al. 2015 PMID: 25741868, with internal and published modifications).